The following is an entry in ClinVar:

ClinVar aggregate classification (germline): Uncertain significance. Review status: criteria provided, multiple submitters, no conflicts (2 of 4 stars). 2 submissions from 2 submitters: Uncertain significance (2). Last evaluated 2025-02-27.

Conditions:
Hereditary cancer-predisposing syndrome. Also called: Hereditary Cancer Syndrome; Neoplastic Syndromes, Hereditary; Tumor predisposition; Hereditary neoplastic syndrome. Identifiers: Orphanet 140162, MedGen C0027672, MeSH D009386, MONDO:0015356.

gnomAD v4.1: 2 of 1,613,994 alleles (0.00012%); highest among the groups gnomAD compares: Non-Finnish European, 0.00017%; no homozygotes.

Submissions (2):

Ambry Genetics
Classification: Uncertain significance for Hereditary cancer-predisposing syndrome. Last evaluated: 2025-02-27. Review status: criteria provided, single submitter. Criteria: Ambry Variant Classification Scheme 2023. Collection method: clinical testing. Allele origin: germline.
Comment: The p.Q771H variant (also known as c.2313A>C), located in coding exon 14 of the RAD50 gene, results from an A to C substitution at nucleotide position 2313. The glutamine at codon 771 is replaced by histidine, an amino acid with highly similar properties. This amino acid position is highly conserved in available vertebrate species. In addition, the in silico prediction for this alteration is inconclusive. Since supporting evidence is limited at this time, the clinical significance of this alteration remains unclear.

Labcorp Genetics (formerly Invitae), Labcorp
Classification: Uncertain significance for Hereditary cancer-predisposing syndrome. Last evaluated: 2023-08-25. Review status: criteria provided, single submitter. Criteria: Invitae Variant Classification Sherloc (09022015). Collection method: clinical testing. Allele origin: germline.
Comment: In summary, the available evidence is currently insufficient to determine the role of this variant in disease. Therefore, it has been classified as a Variant of Uncertain Significance. Advanced modeling of protein sequence and biophysical properties (such as structural, functional, and spatial information, amino acid conservation, physicochemical variation, residue mobility, and thermodynamic stability) has been performed at Invitae for this missense variant, however the output from this modeling did not meet the statistical confidence thresholds required to predict the impact of this variant on RAD50 protein function. ClinVar contains an entry for this variant (Variation ID: 480467). This variant has not been reported in the literature in individuals affected with RAD50-related conditions. This variant is not present in population databases (gnomAD no frequency). This sequence change replaces glutamine, which is neutral and polar, with histidine, which is basic and polar, at codon 771 of the RAD50 protein (p.Gln771His).

NM_005732.4(RAD50):c.2313A>C (p.Gln771His)

Gene: RAD50 (RAD50 double strand break repair protein; plus strand). Cytogenetic location: 5q31.1.
Variant type: single nucleotide variant.
Coding change: c.2313A>C on transcript NM_005732.4 (MANE Select); coding-DNA position 2313, A replaced by C.
Protein change: p.Gln771His; replaces glutamine 771 with histidine.
Molecular consequence: missense variant.
Genome position (GRCh38, 1-based): chr5:132,603,405, A>C. VCF-style: chr5-132603405-A-C. GRCh37 (hg19) VCF-style: chr5-131939097-A-C.
Other names: short protein forms Q771H.
Identifiers: ClinVar variation 480467 (VCV000480467.16), dbSNP rs768803229, ClinGen allele CA360954571.